The following is an entry in ClinVar:

NM_201384.3(PLEC):c.10850G>A (p.Arg3617His)

Gene: PLEC (plectin; minus strand). Cytogenetic location: 8q24.3.
Variant type: single nucleotide variant.
Coding change: c.10850G>A on transcript NM_201384.3 (MANE Select); coding-DNA position 10850, G replaced by A.
Protein change: p.Arg3617His; replaces arginine 3617 with histidine.
Molecular consequence: missense variant.
Genome position (GRCh38, 1-based): chr8:143,918,971, C>T on the plus strand (G>A on the coding strand, the complement: PLEC is on the minus strand). VCF-style: chr8-143918971-C-T. GRCh37 (hg19) VCF-style: chr8-144993139-C-T.
Other names: c.10931G>A, p.Arg3644His (NM_000445.5); c.7550G>A, p.Arg2517His (NM_001410941.1); c.10808G>A, p.Arg3603His (NM_201378.4); c.10784G>A, p.Arg3595His (NM_201379.3); c.11261G>A, p.Arg3754His (NM_201380.4); c.10754G>A, p.Arg3585His (NM_201381.3); c.10850G>A, p.Arg3617His (NM_201382.4); c.10862G>A, p.Arg3621His (NM_201383.3); short protein forms R3617H, R2517H, R3595H, R3603H, R3621H, R3644H, R3585H, R3754H.
Identifiers: ClinVar variation 2350495 (VCV002350495.5), dbSNP rs782758161, ClinGen allele CA4924518.
Genomic context (GRCh38, chr8:143,918,971, plus strand): 5'-AGACCCTGCTGGCGGATGATCTCTGTCTTCTCAATGATCTCGATGATGATGATGATCATG[C>T]GTTCCTTGGTCACCCGGCCGGCCTGGAAGTCAGCCATCAGCTGGGCCCGCTGCTCCTCGG-3'
Protein context (NP_958786.1, residues 3607-3627): DFQAGRVTKE[Arg3617His]MIIIIIEIIE

ClinVar aggregate classification (germline): Uncertain significance. Review status: criteria provided, multiple submitters, no conflicts (2 of 4 stars). 4 submissions from 4 submitters: Uncertain significance (4). Last evaluated 2025-10-06.

Conditions:
Epidermolysis bullosa simplex with nail dystrophy (EBS5D). Identifiers: MedGen C4225309, MONDO:0014661, OMIM 616487.
Inborn genetic diseases. Identifiers: MedGen C0950123, MeSH D030342.
Epidermolysis bullosa simplex 5B, with muscular dystrophy (EBS5B). Also called: Epidermolysis bullosa simplex with muscular dystrophy; EPIDERMOLYSIS BULLOSA SIMPLEX AND LIMB-GIRDLE MUSCULAR DYSTROPHY. Identifiers: Orphanet 257, MedGen C2931072, MONDO:0009181, OMIM 226670.
Epidermolysis bullosa simplex, Ogna type (EBS5A). Also called: EPIDERMOLYSIS BULLOSA SIMPLEX 5A, OGNA TYPE; Pidermolysis bullosa simplex 5A, Ogna type. Identifiers: Orphanet 79401, MedGen C0432317, MONDO:0007555, OMIM 131950.
Epidermolysis bullosa simplex 5C, with pyloric atresia (EBS5C). Also called: PLEC-Related Epidermolysis Bullosa with Pyloric Atresia; Epidermolysis bullosa simplex with pyloric atresia; PLEC1-Related Epidermolysis Bullosa with Pyloric Atresia. Identifiers: Orphanet 158684, MedGen C2677349, MONDO:0012807, OMIM 612138.
Autosomal recessive limb-girdle muscular dystrophy type 2Q (LGMDR17). Also called: MUSCULAR DYSTROPHY, LIMB-GIRDLE, AUTOSOMAL RECESSIVE 17. Identifiers: Orphanet 254361, MedGen C3150989, MONDO:0013390, OMIM 613723.

Allele frequency attached by ClinVar (database versions not stated): TOPMed 0.00001; gnomAD 0.00003; ExAC 0.00006.

Submissions (4):

Labcorp Genetics (formerly Invitae), Labcorp
Classification: Uncertain significance for Autosomal recessive limb-girdle muscular dystrophy type 2Q; Epidermolysis bullosa simplex, Ogna type; Epidermolysis bullosa simplex with nail dystrophy; Epidermolysis bullosa simplex 5C, with pyloric atresia; Epidermolysis bullosa simplex 5B, with muscular dystrophy. Last evaluated: 2025-10-06. Review status: criteria provided, single submitter. Criteria: Invitae Variant Classification Sherloc (09022015). Collection method: clinical testing. Allele origin: germline.
Comment: This sequence change replaces arginine, which is basic and polar, with histidine, which is basic and polar, at codon 3644 of the PLEC protein (p.Arg3644His). This variant is present in population databases (rs782758161, gnomAD 0.02%). This variant has not been reported in the literature in individuals affected with PLEC-related conditions. ClinVar contains an entry for this variant (Variation ID: 2350495). An algorithm developed to predict the effect of missense changes on protein structure and function (PolyPhen-2) suggests that this variant is likely to be disruptive. In summary, the available evidence is currently insufficient to determine the role of this variant in disease. Therefore, it has been classified as a Variant of Uncertain Significance.

Revvity Omics, Revvity
Classification: Uncertain significance. Last evaluated: 2023-05-05. Review status: criteria provided, single submitter. Criteria: ACMG Guidelines, 2015. Collection method: clinical testing. Allele origin: germline.

Ambry Genetics
Classification: Uncertain significance for Inborn genetic diseases. Last evaluated: 2022-08-17. Review status: criteria provided, single submitter. Criteria: Ambry Variant Classification Scheme 2023. Collection method: clinical testing. Allele origin: germline.

Neuberg Centre For Genomic Medicine, NCGM
Classification: Uncertain significance for Epidermolysis bullosa simplex with nail dystrophy. Review status: criteria provided, single submitter. Criteria: ACMG Guidelines, 2015. Collection method: clinical testing. Allele origin: germline. Inheritance: Autosomal recessive inheritance. Affected: yes.
Comment: The missense variant in c.11261G>A (p.Arg3754His) in PLEC gene has not been reported previously as a pathogenic variant nor as a benign variant, to our knowledge. The p.Arg3754His variant is reported with the allele frequency (0.005%) in the gnomad and novel in 1000 genome database. The amino acid Arg at position 3754 is changed to a His changing protein sequence and it might alter its composition and physico-chemical properties. The variant is predicted to be damaging by both SIFT and PolyPhen2. The residue is conserved across species. The amino acid change p.Arg3754His in PLEC is predicted as conserved by GERP++ and PhyloP across 100 vertebrates. For these reasons, this variant has been classified as Variant of Uncertain Significance.